The following is an entry in ClinVar:

NM_004817.4(TJP2):c.3415C>T (p.Pro1139Ser)

Gene: TJP2 (tight junction protein 2; plus strand). Cytogenetic location: 9q21.11.
Variant type: single nucleotide variant.
Coding change: c.3415C>T on transcript NM_004817.4 (MANE Select); coding-DNA position 3415, C replaced by T.
Protein change: p.Pro1139Ser; replaces proline 1139 with serine.
Molecular consequence: missense variant.
Genome position (GRCh38, 1-based): chr9:69,254,216, C>T. VCF-style: chr9-69254216-C-T. GRCh37 (hg19) VCF-style: chr9-71869132-C-T.
Other names: c.2905C>T, p.Pro969Ser (NM_001170414.2); c.3316C>T, p.Pro1106Ser (NM_001170415.1); c.3508C>T, p.Pro1170Ser (NM_001170416.2); c.3340C>T, p.Pro1114Ser (NM_001369870.1); c.3346C>T, p.Pro1116Ser (NM_001369871.1); c.3304C>T, p.Pro1102Ser (NM_001369872.1); c.3091C>T, p.Pro1031Ser (NM_001369873.1); c.2986C>T, p.Pro996Ser (NM_001369874.1); and 2 more; short protein forms P1031S, P1116S, P996S, P1102S, P1106S, P992S, P969S, P1114S.
Identifiers: ClinVar variation 1395914 (VCV001395914.6), dbSNP rs371868714, ClinGen allele CA5073982.

ClinVar aggregate classification (germline): Uncertain significance (1 of 4 stars; one submission).

gnomAD v4.1: 7 of 1,614,204 alleles (0.00043%); highest among the groups gnomAD compares: Middle Eastern, 0.016%; no homozygotes.

Submission:

Labcorp Genetics (formerly Invitae), Labcorp
Classification: Uncertain significance. Last evaluated: 2022-12-06. Review status: criteria provided, single submitter. Criteria: Invitae Variant Classification Sherloc (09022015). Collection method: clinical testing. Allele origin: germline.
Comment: This sequence change replaces proline, which is neutral and non-polar, with serine, which is neutral and polar, at codon 1139 of the TJP2 protein (p.Pro1139Ser). In summary, the available evidence is currently insufficient to determine the role of this variant in disease. Therefore, it has been classified as a Variant of Uncertain Significance. Algorithms developed to predict the effect of missense changes on protein structure and function are either unavailable or do not agree on the potential impact of this missense change (SIFT: "Deleterious"; PolyPhen-2: "Benign"; Align-GVGD: "Class C0"). ClinVar contains an entry for this variant (Variation ID: 1395914). This variant has not been reported in the literature in individuals affected with TJP2-related conditions. This variant is present in population databases (rs371868714, gnomAD 0.006%).